The following is an entry in ClinVar:

ClinVar aggregate classification (germline): Uncertain significance (1 of 4 stars; one submission).

gnomAD v4.1: 1 of 1,613,890 alleles (0.000062%); no homozygotes.

Submission:

Labcorp Genetics (formerly Invitae), Labcorp
Classification: Uncertain significance. Last evaluated: 2025-03-31. Review status: criteria provided, single submitter. Criteria: Invitae Variant Classification Sherloc (09022015). Collection method: clinical testing. Allele origin: germline.
Comment: This sequence change replaces threonine, which is neutral and polar, with isoleucine, which is neutral and non-polar, at codon 557 of the CAPN5 protein (p.Thr557Ile). This variant is not present in population databases (gnomAD no frequency). This variant has not been reported in the literature in individuals affected with CAPN5-related conditions. An algorithm developed to predict the effect of missense changes on protein structure and function (PolyPhen-2) suggests that this variant is likely to be tolerated. In summary, the available evidence is currently insufficient to determine the role of this variant in disease. Therefore, it has been classified as a Variant of Uncertain Significance.

NM_004055.5(CAPN5):c.1670C>T (p.Thr557Ile)

Gene: CAPN5 (calpain 5; plus strand). Cytogenetic location: 11q13.5.
Variant type: single nucleotide variant.
Coding change: c.1670C>T on transcript NM_004055.5 (MANE Select); coding-DNA position 1670, C replaced by T.
Protein change: p.Thr557Ile; replaces threonine 557 with isoleucine.
Molecular consequence: missense variant. On other transcripts: non-coding transcript variant (1).
Genome position (GRCh38, 1-based): chr11:77,122,642, C>T. VCF-style: chr11-77122642-C-T. GRCh37 (hg19) VCF-style: chr11-76833688-C-T.
Other names: c.1790C>T, p.Thr597Ile (NM_001425321.1); c.1670C>T, p.Thr557Ile (NM_001425322.1); c.1538C>T, p.Thr513Ile (NM_001425323.1); short protein forms T513I, T557I, T597I.
Identifiers: ClinVar variation 3637792 (VCV003637792.2).